The following is an entry in ClinVar:

ClinVar aggregate classification (germline): Uncertain significance (1 of 4 stars; one submission).

Allele frequency attached by ClinVar (database versions not stated): TOPMed below 0.00001; gnomAD 0.00001; gnomAD exomes 0.00001.

Submission:

Labcorp Genetics (formerly Invitae), Labcorp
Classification: Uncertain significance. Last evaluated: 2021-08-28. Review status: criteria provided, single submitter. Criteria: Invitae Variant Classification Sherloc (09022015). Collection method: clinical testing. Allele origin: germline.
Comment: This sequence change replaces alanine with threonine at codon 177 of the CXCR2 protein (p.Ala177Thr). The alanine residue is moderately conserved and there is a small physicochemical difference between alanine and threonine. In summary, the available evidence is currently insufficient to determine the role of this variant in disease. Therefore, it has been classified as a Variant of Uncertain Significance. Algorithms developed to predict the effect of missense changes on protein structure and function (SIFT, PolyPhen-2, Align-GVGD) all suggest that this variant is likely to be tolerated. This variant has not been reported in the literature in individuals affected with CXCR2-related conditions. This variant is not present in population databases (ExAC no frequency).

NM_001557.4(CXCR2):c.529G>A (p.Ala177Thr)

Gene: CXCR2 (C-X-C motif chemokine receptor 2; plus strand). Cytogenetic location: 2q35.
Variant type: single nucleotide variant.
Coding change: c.529G>A on transcript NM_001557.4 (MANE Select); coding-DNA position 529, G replaced by A.
Protein change: p.Ala177Thr; replaces alanine 177 with threonine.
Molecular consequence: missense variant.
Genome position (GRCh38, 1-based): chr2:218,135,330, G>A. VCF-style: chr2-218135330-G-A. GRCh37 (hg19) VCF-style: chr2-219000053-G-A.
Other names: c.529G>A, p.Ala177Thr (NM_001168298.2); short protein forms A177T.
Identifiers: ClinVar variation 1352823 (VCV001352823.6), dbSNP rs1400752078, ClinGen allele CA350530488.